The following is an entry in ClinVar:

ClinVar aggregate classification (germline): Pathogenic. Review status: criteria provided, multiple submitters, no conflicts (2 of 4 stars). 2 submissions from 2 submitters: Pathogenic (2). Last evaluated 2023-12-13.

Conditions:
Breast-ovarian cancer, familial, susceptibility to, 2 (BROVCA2). Also called: BRCA2 Hereditary Breast and Ovarian Cancer. Identifiers: Orphanet 145, MedGen C2675520, MONDO:0012933, OMIM 612555. Disease mechanism: loss of function.
Hereditary breast ovarian cancer syndrome. Also called: Hereditary breast and ovarian cancer syndrome; Hereditary breast and ovarian cancer syndrome (HBOC); BRCA1- and BRCA2-Associated Hereditary Breast and Ovarian Cancer; Hereditary breast and ovarian cancer; Breast and ovarian cancer; Hereditary breast and/or ovarian cancer syndrome. Identifiers: Orphanet 145, MedGen C0677776, MeSH D061325, MONDO:0003582. Disease mechanism: loss of function.

Submissions (2):

Myriad Genetics, Inc.
Classification: Pathogenic for Breast-ovarian cancer, familial, susceptibility to, 2. Last evaluated: 2023-12-13. Review status: criteria provided, single submitter. Criteria: Myriad Autosomal Dominant, Autosomal Recessive and X-Linked Classification Criteria (2023). Collection method: clinical testing. Allele origin: unknown.
Comment: This variant is considered pathogenic. This variant creates a frameshift predicted to result in premature protein truncation.

Labcorp Genetics (formerly Invitae), Labcorp
Classification: Pathogenic for Hereditary breast ovarian cancer syndrome. Last evaluated: 2017-11-23. Review status: criteria provided, single submitter. Criteria: Invitae Variant Classification Sherloc (09022015). Collection method: clinical testing. Allele origin: germline.
Comment: This sequence change creates a premature translational stop signal (p.Gln2731Serfs*2) in the BRCA2 gene. It is expected to result in an absent or disrupted protein product. This variant is not present in population databases (ExAC no frequency). For these reasons, this variant has been classified as Pathogenic. Loss-of-function variants in BRCA2 are known to be pathogenic (PMID: 20104584). This variant has not been reported in the literature in individuals with BRCA2-related disease.

Literature cited by the submitters: PubMed 20104584 (cited by Labcorp Genetics (formerly Invitae), Labcorp).

NM_000059.4(BRCA2):c.8191del (p.Gln2731fs)

Gene: BRCA2 (BRCA2 DNA repair associated; plus strand). Cytogenetic location: 13q13.1.
Variant type: Deletion.
Coding change: c.8191del on transcript NM_000059.4 (MANE Select); coding-DNA position 8191, one base deleted (C; older notation c.8191delC).
Protein change: p.Gln2731fs; shifts the reading frame from glutamine 2731.
Molecular consequence: frameshift variant.
Genome position (GRCh38, 1-based): chr13:32,363,393, C deleted; the last of 3 consecutive C bases (chr13:32,363,391-32,363,393); deleting any one gives the same sequence. VCF-style (leftmost placement, unchanged base first): chr13-32363390-GC-G. GRCh37 (hg19) VCF-style: chr13-32937527-GC-G.
Other names: c.8191delC (NM_000059.3); short protein forms Q2731fs.
Identifiers: ClinVar variation 531423 (VCV000531423.8), dbSNP rs1555287033, ClinGen allele CA658798132.